The following is an entry in ClinVar:

NM_022124.6(CDH23):c.7568C>T (p.Pro2523Leu)

Gene: CDH23 (cadherin related 23; plus strand). Cytogenetic location: 10q22.1.
Variant type: single nucleotide variant.
Coding change: c.7568C>T on transcript NM_022124.6 (MANE Select); coding-DNA position 7568, C replaced by T.
Protein change: p.Pro2523Leu; replaces proline 2523 with leucine.
Molecular consequence: missense variant.
Genome position (GRCh38, 1-based): chr10:71,802,983, C>T. VCF-style: chr10-71802983-C-T. GRCh37 (hg19) VCF-style: chr10-73562740-C-T.
Other names: c.848C>T, p.Pro283Leu (NM_001171933.1, NM_001171934.1); short protein forms P2523L, P283L.
Identifiers: ClinVar variation 667212 (VCV000667212.16), dbSNP rs369761606, ClinGen allele CA5546377.
Genomic context (GRCh38, chr10:71,802,983, plus strand): 5'-ATGACTGCCGGCCACAGTTCTCCAAGCCCCAGTTCAGCACAAGCGTGTATGAGAATGAGC[C>T]GGCGGGCACCTCGGTCATCACCATGATGGCCACTGACCAGGATGAAGGTCCCAATGGAGA-3'
Protein context (NP_071407.4, residues 2513-2533): QFSTSVYENE[Pro2523Leu]AGTSVITMMA

ClinVar aggregate classification (germline): Uncertain significance. Review status: criteria provided, multiple submitters, no conflicts (2 of 4 stars). 5 submissions from 5 submitters: Uncertain significance (4). 1 of the submissions does not count toward it. Last evaluated 2024-11-05.

Conditions:
Usher syndrome type 1 (USH1). Also called: RETINITIS PIGMENTOSA AND CONGENITAL DEAFNESS. Identifiers: Orphanet 231169, Orphanet 886, MedGen C1568247, MONDO:0010168, OMIM 276900.

Allele frequency attached by ClinVar (database versions not stated): gnomAD exomes 0.00009 and 0.00006; ExAC 0.00011; gnomAD 0.00006 and 0.00011; ESP Exome Variant Server 0.00008; TOPMed 0.00011.
gnomAD v4.1: 98 of 1,613,992 alleles (0.0061%); highest among the groups gnomAD compares: South Asian, 0.051%; no homozygotes.

Submissions (5):

Labcorp Genetics (formerly Invitae), Labcorp
Classification: Uncertain significance. Last evaluated: 2024-11-05. Review status: criteria provided, single submitter. Criteria: Invitae Variant Classification Sherloc (09022015). Collection method: clinical testing. Allele origin: germline.
Comment: This sequence change replaces proline, which is neutral and non-polar, with leucine, which is neutral and non-polar, at codon 2523 of the CDH23 protein (p.Pro2523Leu). This variant is present in population databases (rs369761606, gnomAD 0.05%). This variant has not been reported in the literature in individuals affected with CDH23-related conditions. ClinVar contains an entry for this variant (Variation ID: 667212). Invitae Evidence Modeling of protein sequence and biophysical properties (such as structural, functional, and spatial information, amino acid conservation, physicochemical variation, residue mobility, and thermodynamic stability) has been performed for this missense variant. However, the output from this modeling did not meet the statistical confidence thresholds required to predict the impact of this variant on CDH23 protein function. In summary, the available evidence is currently insufficient to determine the role of this variant in disease. Therefore, it has been classified as a Variant of Uncertain Significance.

GeneDx
Classification: Uncertain significance. Last evaluated: 2024-05-21. Review status: criteria provided, single submitter. Criteria: GeneDx Variant Classification Process June 2021. Collection method: clinical testing. Allele origin: germline. Affected: yes.
Comment: In silico analysis supports that this missense variant has a deleterious effect on protein structure/function; Has not been previously published as pathogenic or benign to our knowledge

Blueprint Genetics
Classification: Uncertain significance. Last evaluated: 2022-02-03. Review status: criteria provided, single submitter. Criteria: ACMG Guidelines, 2015. Collection method: clinical testing. Allele origin: germline.

Laboratory for Molecular Medicine, Mass General Brigham Personalized Medicine
Classification: Uncertain significance. Last evaluated: 2020-10-23. Review status: criteria provided, single submitter. Criteria: LMM Criteria. Collection method: clinical testing. Allele origin: germline. Observed: 1 variant allele.
Comment: The p.Pro2523Leu variant in CDH23 has not been previously reported in individuals with hearing loss or Usher syndrome, but has been identified in 0.04% (14/30602) of South Asian chromosomes by gnomAD. This variant has been reported in ClinVar (Variation ID 667212). Computational prediction tools and conservation analysis suggest that the p.Pro2523Leu variant may impact the protein, though this information is not predictive enough to determine pathogenicity. In summary, the clinical significance of the p.Pro2523Leu variant is uncertain. ACMG/AMP Criteria applied: PM2_Supporting, PP3.

Natera, Inc.
Classification: Uncertain significance for Usher syndrome type 1. Last evaluated: 2020-02-21. Review status: no assertion criteria provided. Collection method: clinical testing. Allele origin: germline. Not counted in ClinVar's aggregate classification.